The following is an entry in ClinVar:

ClinVar aggregate classification (germline): Uncertain significance (1 of 4 stars; one submission).

Conditions:
Emery-Dreifuss muscular dystrophy 4, autosomal dominant (EDMD4). Also called: EMERY-DREIFUSS MUSCULAR DYSTROPHY 4 WITH VARIABLE FEATURES. Identifiers: Orphanet 261, MedGen C2751807, MONDO:0013071, OMIM 612998.
Autosomal recessive ataxia, Beauce type. Also called: SYNE1-Related Autosomal Recessive Cerebellar Ataxia; Spinocerebellar ataxia, autosomal recessive 8; ATAXIA, RECESSIVE, OF BEAUCE; SYNE1 Deficiency. Identifiers: Orphanet 88644, MedGen C1853116, MONDO:0012549, OMIM 610743.

Submission:

Labcorp Genetics (formerly Invitae), Labcorp
Classification: Uncertain significance for Emery-Dreifuss muscular dystrophy 4, autosomal dominant; Autosomal recessive ataxia, Beauce type. Last evaluated: 2022-06-27. Review status: criteria provided, single submitter. Criteria: Invitae Variant Classification Sherloc (09022015). Collection method: clinical testing. Allele origin: germline.
Comment: This variant has not been reported in the literature in individuals affected with SYNE1-related conditions. In summary, the available evidence is currently insufficient to determine the role of this variant in disease. Therefore, it has been classified as a Variant of Uncertain Significance. Algorithms developed to predict the effect of missense changes on protein structure and function are either unavailable or do not agree on the potential impact of this missense change (SIFT: "Deleterious"; PolyPhen-2: "Possibly Damaging"; Align-GVGD: "Class C0"). This variant is not present in population databases (gnomAD no frequency). This sequence change replaces alanine, which is neutral and non-polar, with threonine, which is neutral and polar, at codon 3061 of the SYNE1 protein (p.Ala3061Thr).

NM_182961.4(SYNE1):c.9160G>A (p.Ala3054Thr)

Gene: SYNE1 (spectrin repeat containing nuclear envelope protein 1; minus strand). Cytogenetic location: 6q25.2.
Variant type: single nucleotide variant.
Coding change: c.9160G>A on transcript NM_182961.4 (MANE Select); coding-DNA position 9160, G replaced by A.
Protein change: p.Ala3054Thr; replaces alanine 3054 with threonine.
Molecular consequence: missense variant.
Genome position (GRCh38, 1-based): chr6:152,376,545, C>T on the plus strand (G>A on the coding strand, the complement: SYNE1 is on the minus strand). VCF-style: chr6-152376545-C-T. GRCh37 (hg19) VCF-style: chr6-152697680-C-T.
Other names: c.9181G>A, p.Ala3061Thr (NM_033071.5); short protein forms A3061T, A3054T.
Identifiers: ClinVar variation 1383829 (VCV001383829.5), dbSNP rs2154103548, ClinGen allele CA366141226.
Genomic context (GRCh38, chr6:152,376,545, plus strand): 5'-TGAAGGCCTTTCGAAATCTTTGCTGTAAAATCTGTTCTTTATTCTGGCAGCCCTTGGATG[C>T]TTGCAAACAAAGACTGAAAAGGTGACGCAAAAATTTAATGGCAGGAAAAAGCGATAAAGT-3'
Protein context (NP_892006.3, residues 3044-3064): IKEYNCLCLQ[Ala3054Thr]SKGCQNKEQI